The following is an entry in ClinVar:

ClinVar aggregate classification (germline): Uncertain significance (1 of 4 stars; one submission).

Conditions:
Familial adenomatous polyposis 1 (FAP1). Also called: POLYPOSIS, ADENOMATOUS INTESTINAL; FAMILIAL ADENOMATOUS POLYPOSIS 1, ATTENUATED. Identifiers: MedGen C2713442, MONDO:0021056, OMIM 175100. Disease mechanism: loss of function.

Submission:

Labcorp Genetics (formerly Invitae), Labcorp
Classification: Uncertain significance for Familial adenomatous polyposis 1. Last evaluated: 2023-08-09. Review status: criteria provided, single submitter. Criteria: Invitae Variant Classification Sherloc (09022015). Collection method: clinical testing. Allele origin: germline.
Comment: This sequence change replaces isoleucine, which is neutral and non-polar, with methionine, which is neutral and non-polar, at codon 1177 of the APC protein (p.Ile1177Met). This variant is not present in population databases (gnomAD no frequency). This variant has not been reported in the literature in individuals affected with APC-related conditions. Advanced modeling of protein sequence and biophysical properties (such as structural, functional, and spatial information, amino acid conservation, physicochemical variation, residue mobility, and thermodynamic stability) performed at Invitae indicates that this missense variant is not expected to disrupt APC protein function. In summary, the available evidence is currently insufficient to determine the role of this variant in disease. Therefore, it has been classified as a Variant of Uncertain Significance.

NM_000038.6(APC):c.3531T>G (p.Ile1177Met)

Gene: APC (APC regulator of Wnt signaling pathway; plus strand). Cytogenetic location: 5q22.2.
Variant type: single nucleotide variant.
Coding change: c.3531T>G on transcript NM_000038.6 (MANE Select); coding-DNA position 3531, T replaced by G.
Protein change: p.Ile1177Met; replaces isoleucine 1177 with methionine.
Molecular consequence: missense variant. On other transcripts: non-coding transcript variant (2).
Genome position (GRCh38, 1-based): chr5:112,839,125, T>G. VCF-style: chr5-112839125-T-G. GRCh37 (hg19) VCF-style: chr5-112174822-T-G.
Other names: c.3531T>G, p.Ile1177Met (NM_001127510.3, NM_001354895.2, NM_001407450.1); c.3477T>G, p.Ile1159Met (NM_001127511.3); c.3585T>G, p.Ile1195Met (NM_001354896.2, NM_001407447.1, NM_001407448.1 and 1 more transcripts); c.3561T>G, p.Ile1187Met (NM_001354897.2); c.3456T>G, p.Ile1152Met (NM_001354898.2); c.3447T>G, p.Ile1149Met (NM_001354899.2); c.3408T>G, p.Ile1136Met (NM_001354900.2); c.3354T>G, p.Ile1118Met (NM_001354901.2, NM_001407453.1); and 11 more; short protein forms I1118M, I1177M, I1195M, I793M, I894M, I1048M, I1051M, I1094M.
Identifiers: ClinVar variation 2736788 (VCV002736788.3), dbSNP rs2149893785, ClinGen allele CA16029090.